The following is an entry in ClinVar:

NM_052844.4(DYNC2I2):c.1177G>A (p.Gly393Ser)

Genes: DYNC2I2 (dynein 2 intermediate chain 2; minus strand), LOC126860772 (CDK7 strongly-dependent group 2 enhancer GRCh37_chr9:131396972-131398171; plus strand). Cytogenetic location: 9q34.11.
Variant type: single nucleotide variant.
Coding change: c.1177G>A on transcript NM_052844.4 (MANE Select); coding-DNA position 1177, G replaced by A.
Protein change: p.Gly393Ser; replaces glycine 393 with serine.
Molecular consequence: missense variant.
Genome position (GRCh38, 1-based): chr9:128,634,726, C>T on the plus strand (G>A on the coding strand, the complement: DYNC2I2 is on the minus strand). VCF-style: chr9-128634726-C-T. GRCh37 (hg19) VCF-style: chr9-131397005-C-T.
Other names: short protein forms G393S.
Identifiers: ClinVar variation 97042 (VCV000097042.11), dbSNP rs587777096, ClinGen allele CA210603.

ClinVar aggregate classification (germline): Conflicting classifications of pathogenicity. Review status: criteria provided, conflicting classifications (1 of 4 stars). 5 submissions from 5 submitters: Pathogenic (1); Uncertain significance (1). 3 of the submissions do not count toward it. Last evaluated 2022-09-02.

Conditions:
Jeune thoracic dystrophy. Also called: Short-rib thoracic dysplasia; Infantile thoracic dystrophy; Thoracic pelvic phalangeal dystrophy; Jeune's syndrome; Chondroectodermal dysplasia-like syndrome; Jeune syndrome. Identifiers: Orphanet 474, MedGen C0265275, MONDO:0018770.
Short-rib thoracic dysplasia 11 with or without polydactyly (SRTD11). Also called: SHORT-RIB THORACIC DYSPLASIA 11 WITHOUT POLYDACTYLY. Identifiers: Orphanet 474, Orphanet 93271, MedGen C3810200, MONDO:0014287, OMIM 615633.

Allele frequency attached by ClinVar (database versions not stated): gnomAD 0.00001 and 0.00002; gnomAD exomes 0.00001; TOPMed 0.00001.
gnomAD v4.1: 15 of 1,590,442 alleles (0.00094%); highest among the groups gnomAD compares: African/African-American, 0.0027%; no homozygotes.

Submissions (5):

Labcorp Genetics (formerly Invitae), Labcorp
Classification: Pathogenic for Short-rib thoracic dysplasia 11 with or without polydactyly. Last evaluated: 2022-09-02. Review status: criteria provided, single submitter. Criteria: Invitae Variant Classification Sherloc (09022015). Collection method: clinical testing. Allele origin: germline.
Comment: For these reasons, this variant has been classified as Pathogenic. Algorithms developed to predict the effect of sequence changes on RNA splicing suggest that this variant may create or strengthen a splice site. Experimental studies have shown that this missense change affects WDR34 function (PMID: 32576942). Algorithms developed to predict the effect of missense changes on protein structure and function are either unavailable or do not agree on the potential impact of this missense change (SIFT: "Deleterious"; PolyPhen-2: "Probably Damaging"; Align-GVGD: "Class C0"). ClinVar contains an entry for this variant (Variation ID: 97042). This missense change has been observed in individuals with short-rib thoracic dysplasia (PMID: 24183451, 29068549). It has also been observed to segregate with disease in related individuals. The frequency data for this variant in the population databases is considered unreliable, as metrics indicate poor data quality at this position in the gnomAD database. This sequence change replaces glycine, which is neutral and non-polar, with serine, which is neutral and polar, at codon 393 of the WDR34 protein (p.Gly393Ser).

Eurofins Ntd Llc (ga)
Classification: Uncertain significance. Last evaluated: 2017-11-28. Review status: criteria provided, single submitter. Criteria: EGL Classification Definitions 2015. Collection method: clinical testing. Allele origin: germline. Observed: 1 variant allele, 1 heterozygote.

Dan Cohn Lab, University Of California Los Angeles
Classification: Pathogenic for Asphyxiating thoracic dystrophy. Last evaluated: 2017-06-01. Review status: no assertion criteria provided. Collection method: research. Allele origin: inherited. Affected: yes. Not counted in ClinVar's aggregate classification.

OMIM
Classification: Pathogenic for SHORT-RIB THORACIC DYSPLASIA 11 WITHOUT POLYDACTYLY. Last evaluated: 2013-11-07. Review status: no assertion criteria provided. Collection method: literature only. Allele origin: germline. Not counted in ClinVar's aggregate classification.

University of Washington Center for Mendelian Genomics, University of Washington
Classification: Likely pathogenic for asphyxiating thoracic dystrophy. Review status: no assertion criteria provided. Collection method: research. Allele origin: inherited. Affected: yes. Not counted in ClinVar's aggregate classification.

Literature cited by the submitters: PubMed 32576942 (cited by Labcorp Genetics (formerly Invitae), Labcorp); PubMed 24183451 (cited by Labcorp Genetics (formerly Invitae), Labcorp and OMIM); PubMed 29068549 (cited by 3 submitters); PubMed 19610081 (cited by OMIM).